The following is an entry in ClinVar:

NM_015512.5(DNAH1):c.12227G>A (p.Ser4076Asn)

Gene: DNAH1 (dynein axonemal heavy chain 1; plus strand). Cytogenetic location: 3p21.1.
Variant type: single nucleotide variant.
Coding change: c.12227G>A on transcript NM_015512.5 (MANE Select); coding-DNA position 12227, G replaced by A.
Protein change: p.Ser4076Asn; replaces serine 4076 with asparagine.
Molecular consequence: missense variant.
Genome position (GRCh38, 1-based): chr3:52,398,987, G>A. VCF-style: chr3-52398987-G-A. GRCh37 (hg19) VCF-style: chr3-52433003-G-A.
Other names: short protein forms S4076N.
Identifiers: ClinVar variation 4791510 (VCV004791510.1).

ClinVar aggregate classification (germline): Uncertain significance (1 of 4 stars; one submission).

Conditions:
Spermatogenic failure 18. Identifiers: MedGen C4539783, MONDO:0054615, OMIM 617576.
Ciliary dyskinesia, primary, 37 (CILD37). Also called: CILIARY DYSKINESIA, PRIMARY, 37, WITH OR WITHOUT SITUS INVERSUS. Identifiers: MedGen C4539798, MONDO:0033204, OMIM 617577.

Submission:

Labcorp Genetics (formerly Invitae), Labcorp
Classification: Uncertain significance for Ciliary dyskinesia, primary, 37; Spermatogenic failure 18. Last evaluated: 2025-04-21. Review status: criteria provided, single submitter. Criteria: Invitae Variant Classification Sherloc (09022015). Collection method: clinical testing. Allele origin: germline.
Comment: This sequence change replaces serine, which is neutral and polar, with asparagine, which is neutral and polar, at codon 4076 of the DNAH1 protein (p.Ser4076Asn). This variant is not present in population databases (gnomAD no frequency). This variant has not been reported in the literature in individuals affected with DNAH1-related conditions. Invitae Evidence Modeling of protein sequence and biophysical properties (such as structural, functional, and spatial information, amino acid conservation, physicochemical variation, residue mobility, and thermodynamic stability) indicates that this missense variant is not expected to disrupt DNAH1 protein function with a negative predictive value of 80%. In summary, the available evidence is currently insufficient to determine the role of this variant in disease. Therefore, it has been classified as a Variant of Uncertain Significance.